The following is an entry in ClinVar:

NM_000466.3(PEX1):c.973G>C (p.Glu325Gln)

Gene: PEX1 (peroxisomal biogenesis factor 1; minus strand). Cytogenetic location: 7q21.2.
Variant type: single nucleotide variant.
Coding change: c.973G>C on transcript NM_000466.3 (MANE Select); coding-DNA position 973, G replaced by C.
Protein change: p.Glu325Gln; replaces glutamic acid 325 with glutamine.
Molecular consequence: missense variant.
Genome position (GRCh38, 1-based): chr7:92,517,542, C>G on the plus strand (G>C on the coding strand, the complement: PEX1 is on the minus strand). VCF-style: chr7-92517542-C-G. GRCh37 (hg19) VCF-style: chr7-92146856-C-G.
Other names: c.973G>C (NM_000466.2); c.973G>C, p.Glu325Gln (NM_001282677.2); c.349G>C, p.Glu117Gln (NM_001282678.2); short protein forms E325Q, E117Q.
Identifiers: ClinVar variation 2057334 (VCV002057334.3), dbSNP rs143929592, ClinGen allele CA161973498.
Genomic context (GRCh38, chr7:92,517,542, plus strand): 5'-GCTGTTGCTTTGGAGAAAGTAGCTTAACTAGCTTTCCATATGTCACAGTAAAGCTGGGCT[C>G]TACATCAAAATATTCCTGGTCCCATGGAAATACATGAATGGCACAGTGTTTATGAAAAAC-3'
Protein context (NP_000457.1, residues 315-335): FPWDQEYFDV[Glu325Gln]PSFTVTYGKL

ClinVar aggregate classification (germline): Uncertain significance. Review status: criteria provided, multiple submitters, no conflicts (2 of 4 stars). 2 submissions from 2 submitters: Uncertain significance (2). Last evaluated 2025-12-29.

Conditions:
PEX1-related disorder. Also called: PEX1-related condition.
Zellweger spectrum disorders (ZS). Also called: Zellweger Spectrum Disorder (ZSD); Zellweger Spectrum Disorder; Zellweger Spectrum; Zellweger syndrome. Identifiers: Orphanet 912, MedGen C0043459, MONDO:0019609.

Allele frequency attached by ClinVar (database versions not stated): gnomAD exomes below 0.00001; gnomAD 0.00004; ESP Exome Variant Server 0.00008; TOPMed 0.00010.
gnomAD v4.1: 10 of 1,613,870 alleles (0.00062%); highest among the groups gnomAD compares: African/African-American, 0.012%; no homozygotes.

Submissions (2):

PreventionGenetics, part of Exact Sciences
Classification: Uncertain significance for PEX1-related condition. Last evaluated: 2025-12-29. Review status: criteria provided, single submitter. Criteria: ACMG Guidelines, 2015. Collection method: clinical testing. Allele origin: germline.
Comment: The PEX1 c.973G>C variant is predicted to result in the amino acid substitution p.Glu325Gln. To our knowledge, this variant has not been reported in the literature. This variant is reported in 0.012% of alleles in individuals of African descent in gnomAD. At this time, the clinical significance of this variant is uncertain due to the absence of conclusive functional and genetic evidence.

Labcorp Genetics (formerly Invitae), Labcorp
Classification: Uncertain significance for Zellweger spectrum disorders. Last evaluated: 2023-12-11. Review status: criteria provided, single submitter. Criteria: Invitae Variant Classification Sherloc (09022015). Collection method: clinical testing. Allele origin: germline.
Comment: This sequence change replaces glutamic acid, which is acidic and polar, with glutamine, which is neutral and polar, at codon 325 of the PEX1 protein (p.Glu325Gln). This variant is present in population databases (rs143929592, gnomAD 0.01%). This variant has not been reported in the literature in individuals affected with PEX1-related conditions. ClinVar contains an entry for this variant (Variation ID: 2057334). Advanced modeling of protein sequence and biophysical properties (such as structural, functional, and spatial information, amino acid conservation, physicochemical variation, residue mobility, and thermodynamic stability) performed at Invitae indicates that this missense variant is not expected to disrupt PEX1 protein function with a negative predictive value of 80%. In summary, the available evidence is currently insufficient to determine the role of this variant in disease. Therefore, it has been classified as a Variant of Uncertain Significance.